The following is an entry in ClinVar:

ClinVar aggregate classification (germline): Conflicting classifications of pathogenicity. Review status: criteria provided, conflicting classifications (1 of 4 stars). 6 submissions from 6 submitters: Likely pathogenic (5); Uncertain significance (1). Last evaluated 2026-07-29.

Conditions:
Hypertrophic cardiomyopathy 4. Also called: Familial hypertrophic cardiomyopathy 4. Identifiers: MedGen C1861862, MONDO:0007268, OMIM 115197.
Cardiovascular phenotype. Identifiers: MedGen CN230736.
Cardiomyopathy (CMYO). Also called: Cardiomyopathies. Identifiers: Orphanet 167848, MedGen C0878544, MONDO:0004994, HP:0001638. Inheritance: Various modes of inheritance.
MYBPC3-related disorder. Also called: MYBPC3-related condition; MYBPC3-related disease; MYBPC3-related disorders.
Hypertrophic cardiomyopathy. Also called: HYPERTROPHIC MYOCARDIOPATHY. Identifiers: Orphanet 217569, MedGen C0007194, MeSH D002312, MONDO:0005045, HP:0001639.

Submissions (6):

GeneDx
Classification: Likely pathogenic. Last evaluated: 2026-07-29. Review status: criteria provided, single submitter. Criteria: GeneDx Variant Classification Process June 2021. Collection method: clinical testing. Allele origin: germline.
Comment: Canonical splice site variant predicted to result in an in-frame loss of the adjacent exon in a gene for which loss of function is a known mechanism of disease; Not observed at significant frequency in large population cohorts (gnomAD); Has not been published in association with an MYBPC3-related disorder to our knowledge; This variant is associated with the following publications: (PMID: 19574547, 31447099)

Labcorp Genetics (formerly Invitae), Labcorp
Classification: Likely pathogenic for Hypertrophic cardiomyopathy. Last evaluated: 2025-10-07. Review status: criteria provided, single submitter. Criteria: Invitae Variant Classification Sherloc (09022015). Collection method: clinical testing. Allele origin: germline.
Comment: This sequence change affects a donor splice site in intron 9 of the MYBPC3 gene. It is expected to disrupt RNA splicing. Variants that disrupt the donor or acceptor splice site typically lead to a loss of protein function (PMID: 16199547), and loss-of-function variants in MYBPC3 are known to be pathogenic (PMID: 19574547). This variant is not present in population databases (gnomAD no frequency). This variant has not been reported in the literature in individuals affected with MYBPC3-related conditions. ClinVar contains an entry for this variant (Variation ID: 573066). Algorithms developed to predict the effect of sequence changes on RNA splicing suggest that this variant may disrupt the consensus splice site. In summary, the currently available evidence indicates that the variant is pathogenic, but additional data are needed to prove that conclusively. Therefore, this variant has been classified as Likely Pathogenic.

Blueprint Genetics
Classification: Likely pathogenic for MYBPC3-related disorders. Last evaluated: 2024-08-27. Review status: criteria provided, single submitter. Criteria: ACMG Guidelines, 2015. Collection method: clinical testing. Allele origin: germline. Affected: yes. Observed: 5 variant alleles.

Ambry Genetics
Classification: Uncertain significance for Cardiovascular phenotype. Last evaluated: 2023-01-10. Review status: criteria provided, single submitter. Criteria: Ambry Variant Classification Scheme 2023. Collection method: clinical testing. Allele origin: germline.
Comment: The c.905+1G>T intronic variant results from a G to T substitution one nucleotide after coding exon 9 of the MYBPC3 gene. Alterations that disrupt the canonical splice site are expected to result in aberrant splicing. In silico splice site analysis predicts that this alteration will weaken the native splice donor site. The resulting transcript is predicted to be in-frame and is not expected to trigger nonsense-mediated mRNAdecay; however, direct evidence is unavailable. The exact functional effect of the altered amino acid sequence is unknown. This nucleotide position is highly conserved in available vertebrate species. Since supporting evidence is limited at this time, the clinical significance of this alteration remains unclear.

Color Diagnostics, LLC DBA Color Health
Classification: Likely pathogenic for Cardiomyopathy. Last evaluated: 2019-06-11. Review status: criteria provided, single submitter. Criteria: ACMG Guidelines, 2015. Collection method: clinical testing. Allele origin: germline.
Comment: This variant alters the intron 9 canonical splice donor site of the MYBPC3 gene. Computational splicing tools predict that this variant may have a significant adverse impact on RNA splicing. Although RNA study has not been performed to confirm the prediction, this variant is expected to result in a disrupted protein product. To our knowledge, functional assays have not been performed for this variant nor has this variant been reported in individuals affected with cardiovascular disorders in the literature. This variant has not been identified in the general population by the Genome Aggregation Database (gnomAD). Loss of MYBPC3 function is a known mechanism of disease. Based on available evidence, this variant is classified as Likely Pathogenic.

Human Genome Sequencing Center Clinical Lab, Baylor College of Medicine
Classification: Likely pathogenic for Hypertrophic cardiomyopathy 4. Last evaluated: 2018-04-25. Review status: criteria provided, single submitter. Criteria: ACMG Guidelines, 2015. Collection method: clinical testing. Allele origin: germline.
Comment: This c.905+1G>T variant in the MYBP3 gene has not been reported previously nor observed in general population according to gnomad database. This variant is predicted, through disruption of normal mRNA splicing, to cause loss of function of normal protein, which is a suggested disease mechanism for this gene. Based on current evidences, this c.905+1G>T variant in the MYBP3 gene is classified as likely pathogenic.

Literature cited by the submitters: PubMed 16199547 (cited by Labcorp Genetics (formerly Invitae), Labcorp); PubMed 19574547 (cited by Labcorp Genetics (formerly Invitae), Labcorp).

NM_000256.3(MYBPC3):c.905+1G>T

Gene: MYBPC3 (myosin binding protein C3; minus strand). Cytogenetic location: 11p11.2.
Variant type: single nucleotide variant.
Coding change: c.905+1G>T on transcript NM_000256.3 (MANE Select); the canonical splice donor site of the intron after coding-DNA position 905, G replaced by T.
Molecular consequence: splice donor variant.
Genome position (GRCh38, 1-based): chr11:47,347,425, C>A on the plus strand (G>T on the coding strand, the complement: MYBPC3 is on the minus strand). VCF-style: chr11-47347425-C-A. GRCh37 (hg19) VCF-style: chr11-47368976-C-A.
Identifiers: ClinVar variation 573066 (VCV000573066.13), dbSNP rs767698543, ClinGen allele CA380333172.